The following is an entry in ClinVar:

ClinVar aggregate classification (germline): Uncertain significance. Review status: criteria provided, multiple submitters, no conflicts (2 of 4 stars). 2 submissions from 2 submitters: Uncertain significance (2). Last evaluated 2025-09-26.

Conditions:
Hereditary cancer-predisposing syndrome. Also called: Neoplastic Syndromes, Hereditary; Tumor predisposition; Hereditary neoplastic syndrome; Hereditary Cancer Syndrome. Identifiers: Orphanet 140162, MedGen C0027672, MeSH D009386, MONDO:0015356.
EGFR-related lung cancer (EGFR). Identifiers: MedGen CN130014.

Submissions (2):

Ambry Genetics
Classification: Uncertain significance for Hereditary cancer-predisposing syndrome. Last evaluated: 2025-09-26. Review status: criteria provided, single submitter. Criteria: Ambry Variant Classification Scheme 2023. Collection method: clinical testing. Allele origin: germline.
Comment: The p.L655P variant (also known as c.1964T>C), located in coding exon 17 of the EGFR gene, results from a T to C substitution at nucleotide position 1964. The leucine at codon 655 is replaced by proline, an amino acid with similar properties. This amino acid position is conserved. In addition, the in silico prediction for this alteration is inconclusive. Based on the available evidence, the clinical significance of this variant remains unclear.

Labcorp Genetics (formerly Invitae), Labcorp
Classification: Uncertain significance for EGFR-related lung cancer. Last evaluated: 2023-11-19. Review status: criteria provided, single submitter. Criteria: Invitae Variant Classification Sherloc (09022015). Collection method: clinical testing. Allele origin: germline.
Comment: This sequence change replaces leucine, which is neutral and non-polar, with proline, which is neutral and non-polar, at codon 655 of the EGFR protein (p.Leu655Pro). This variant is not present in population databases (gnomAD no frequency). This variant has not been reported in the literature in individuals affected with EGFR-related conditions. Advanced modeling of protein sequence and biophysical properties (such as structural, functional, and spatial information, amino acid conservation, physicochemical variation, residue mobility, and thermodynamic stability) performed at Invitae indicates that this missense variant is not expected to disrupt EGFR protein function with a negative predictive value of 80%. In summary, the available evidence is currently insufficient to determine the role of this variant in disease. Therefore, it has been classified as a Variant of Uncertain Significance.

NM_005228.5(EGFR):c.1964T>C (p.Leu655Pro)

Gene: EGFR (epidermal growth factor receptor; plus strand). Cytogenetic location: 7p11.2.
Variant type: single nucleotide variant.
Coding change: c.1964T>C on transcript NM_005228.5 (MANE Select); coding-DNA position 1964, T replaced by C.
Protein change: p.Leu655Pro; replaces leucine 655 with proline.
Molecular consequence: missense variant.
Genome position (GRCh38, 1-based): chr7:55,173,027, T>C. VCF-style: chr7-55173027-T-C. GRCh37 (hg19) VCF-style: chr7-55240720-T-C.
Other names: c.1829T>C, p.Leu610Pro (NM_001346897.2, NM_001346899.2); c.1964T>C, p.Leu655Pro (NM_001346898.2); c.1805T>C, p.Leu602Pro (NM_001346900.2); c.1163T>C, p.Leu388Pro (NM_001346941.2); short protein forms L655P, L388P, L602P, L610P.
Identifiers: ClinVar variation 2697232 (VCV002697232.4), dbSNP rs2128952479, ClinGen allele CA367583005.